The following is an entry in ClinVar:

ClinVar aggregate classification (germline): Likely pathogenic. Review status: criteria provided, multiple submitters, no conflicts (2 of 4 stars). 3 submissions from 3 submitters: Likely pathogenic (3). Last evaluated 2025-07-30.

Conditions:
Ellis-van Creveld syndrome (EVC). Also called: MESOECTODERMAL DYSPLASIA; Chondroectodermal dysplasia. Identifiers: Orphanet 289, MedGen C0013903, MONDO:0009162, OMIM 225500.
Curry-Hall syndrome (WAD). Also called: WEYERS ACRODENTAL DYSOSTOSIS. Identifiers: Orphanet 952, MedGen C0457013, MONDO:0008673, OMIM 193530.

Submissions (3):

Myriad Genetics, Inc.
Classification: Likely pathogenic for Ellis-van Creveld syndrome. Last evaluated: 2025-07-30. Review status: criteria provided, single submitter. Criteria: Myriad Autosomal Dominant, Autosomal Recessive and X-Linked Classification Criteria (2023). Collection method: clinical testing. Allele origin: unknown.
Comment: NM_153717.2(EVC):c.1858_1878del21(L620_L626del) is an in-frame deletion classified as likely pathogenic in the context of EVC-related Ellis-van Creveld syndrome. L620_L626del has been observed in cases with relevant disease (PMID: 38531627, 19810119, Gulec_2019_abstract). Relevant functional assessments of this variant are not available in the literature. L620_L626del has been observed in referenced population frequency databases. In summary, NM_153717.2(EVC):c.1858_1878del21(L620_L626del) is an in-frame deletion that has been observed more frequently in cases with the relevant disease than in healthy populations. Please note: this variant was assessed in the context of healthy population screening.

Natera, Inc.
Classification: Likely pathogenic for Ellis-van Creveld syndrome. Last evaluated: 2025-01-12. Review status: criteria provided, single submitter. Criteria: Natera Variant Classification Schema (03/2026). Collection method: clinical testing. Allele origin: germline.
Comment: The c.1858_1878delTTGGGCCGACTGGGCGGCCTC variant in EVC is an in-frame deletion. This variant is rare in the general population with a frequency below the threshold expected for the associated phenotype(s). This variant has been observed in one or more individuals affected with the associated recessive disease, as either homozygous or compound heterozygous with a second variant (PMID: 38531627, 19810119). This variant results in a change to the protein length while preserving reading frame, which may disrupt normal protein structure or function. Given the available evidence, this variant is classified as Likely Pathogenic.

Fulgent Genetics
Classification: Likely pathogenic for Curry-Hall syndrome; Ellis-van Creveld syndrome. Last evaluated: 2024-06-12. Review status: criteria provided, single submitter. Criteria: ACMG Guidelines, 2015. Collection method: clinical testing. Allele origin: germline.

Literature cited by the submitters: PubMed 38531627 (cited by Natera, Inc.); PubMed 19810119 (cited by Natera, Inc.).

NM_153717.3(EVC):c.1858_1878del (p.Leu620_Leu626del)

Gene: EVC (EvC ciliary complex subunit 1; plus strand). Cytogenetic location: 4p16.2.
Variant type: Deletion.
Coding change: c.1858_1878del on transcript NM_153717.3 (MANE Select); coding-DNA positions 1858 to 1878, 21 bases deleted (TTGGGCCGACTGGGCGGCCTC).
Protein change: p.Leu620_Leu626del.
Genome position (GRCh38, 1-based): chr4:5,793,689-5,793,709, TTGGGCCGACTGGGCGGCCTC deleted; deleting any 21 consecutive bases within chr4:5,793,687-5,793,709 gives the same sequence; the c. name uses the placement nearest the transcript's 3' end. VCF-style (leftmost placement, unchanged base first): chr4-5793686-GTCTTGGGCCGACTGGGCGGCC-G. GRCh37 (hg19) VCF-style: chr4-5795413-GTCTTGGGCCGACTGGGCGGCC-G.
Other names: c.1858_1878delTTGGGCCGACTGGGCGGCCTC (NM_153717.2); c.1858_1878del, p.Leu620_Leu626del (NM_001306090.2).
Identifiers: ClinVar variation 3590658 (VCV003590658.3).